The following is an entry in ClinVar:

NM_016222.4(DDX41):c.1265T>C (p.Val422Ala)

Gene: DDX41 (DEAD-box helicase 41; minus strand). Cytogenetic location: 5q35.3.
Variant type: single nucleotide variant.
Coding change: c.1265T>C on transcript NM_016222.4 (MANE Select); coding-DNA position 1265, T replaced by C.
Protein change: p.Val422Ala; replaces valine 422 with alanine.
Molecular consequence: missense variant.
Genome position (GRCh38, 1-based): chr5:177,513,048, A>G on the plus strand (T>C on the coding strand, the complement: DDX41 is on the minus strand). VCF-style: chr5-177513048-A-G. GRCh37 (hg19) VCF-style: chr5-176940049-A-G.
Other names: c.887T>C, p.Val296Ala (NM_001321732.2, NM_001321830.2); short protein forms V296A, V422A.
Identifiers: ClinVar variation 3652048 (VCV003652048.2).

ClinVar aggregate classification (germline): Uncertain significance (1 of 4 stars; one submission).

Submission:

Labcorp Genetics (formerly Invitae), Labcorp
Classification: Uncertain significance. Last evaluated: 2025-04-21. Review status: criteria provided, single submitter. Criteria: Invitae Variant Classification Sherloc (09022015). Collection method: clinical testing. Allele origin: germline.
Comment: This sequence change replaces valine, which is neutral and non-polar, with alanine, which is neutral and non-polar, at codon 422 of the DDX41 protein (p.Val422Ala). This variant is not present in population databases (gnomAD no frequency). This variant has not been reported in the literature in individuals affected with DDX41-related conditions. ClinVar contains an entry for this variant (Variation ID: 3652048). An algorithm developed to predict the effect of missense changes on protein structure and function (PolyPhen-2) suggests that this variant is likely to be tolerated. In summary, the available evidence is currently insufficient to determine the role of this variant in disease. Therefore, it has been classified as a Variant of Uncertain Significance.